The following is an entry in ClinVar:

NM_002661.5(PLCG2):c.797G>A (p.Arg266His)

Gene: PLCG2 (phospholipase C gamma 2; plus strand). Cytogenetic location: 16q23.3.
Variant type: single nucleotide variant.
Coding change: c.797G>A on transcript NM_002661.5 (MANE Select); coding-DNA position 797, G replaced by A.
Protein change: p.Arg266His; replaces arginine 266 with histidine.
Molecular consequence: missense variant.
Genome position (GRCh38, 1-based): chr16:81,889,203, G>A. VCF-style: chr16-81889203-G-A. GRCh37 (hg19) VCF-style: chr16-81922808-G-A.
Other names: short protein forms R266H.
Identifiers: ClinVar variation 1904449 (VCV001904449.6), dbSNP rs552448947, ClinGen allele CA8193458.

ClinVar aggregate classification (germline): Uncertain significance. Review status: criteria provided, multiple submitters, no conflicts (2 of 4 stars). 2 submissions from 2 submitters: Uncertain significance (2). Last evaluated 2025-03-31.

Conditions:
Inborn genetic diseases. Identifiers: MedGen C0950123, MeSH D030342.
Familial cold autoinflammatory syndrome 3 (FCAS3). Also called: ANTIBODY DEFICIENCY AND IMMUNE DYSREGULATION, PLCG2-ASSOCIATED; FAMILIAL ATYPICAL COLD URTICARIA. Identifiers: Orphanet 300359, MedGen C3280914, MONDO:0013766, OMIM 614468.

Allele frequency attached by ClinVar (database versions not stated): gnomAD exomes 0.00002; gnomAD 0.00003; TOPMed 0.00004; 1000 Genomes Project 30x 0.00016; ExAC 0.00017; 1000 Genomes Project 0.00020.
gnomAD v4.1: 29 of 1,604,704 alleles (0.0018%); highest among the groups gnomAD compares: East Asian, 0.013%; no homozygotes.

Submissions (2):

Labcorp Genetics (formerly Invitae), Labcorp
Classification: Uncertain significance for Familial cold autoinflammatory syndrome 3. Last evaluated: 2025-03-31. Review status: criteria provided, single submitter. Criteria: Invitae Variant Classification Sherloc (09022015). Collection method: clinical testing. Allele origin: germline.
Comment: This sequence change replaces arginine, which is basic and polar, with histidine, which is basic and polar, at codon 266 of the PLCG2 protein (p.Arg266His). This variant is present in population databases (rs552448947, gnomAD 0.03%). This variant has not been reported in the literature in individuals affected with PLCG2-related conditions. ClinVar contains an entry for this variant (Variation ID: 1904449). An algorithm developed to predict the effect of missense changes on protein structure and function (PolyPhen-2) suggests that this variant is likely to be disruptive. In summary, the available evidence is currently insufficient to determine the role of this variant in disease. Therefore, it has been classified as a Variant of Uncertain Significance.

Ambry Genetics
Classification: Uncertain significance for Inborn genetic diseases. Last evaluated: 2023-12-15. Review status: criteria provided, single submitter. Criteria: Ambry Variant Classification Scheme 2023. Collection method: clinical testing. Allele origin: germline.